The following is an entry in ClinVar:

ClinVar aggregate classification (germline): Conflicting classifications of pathogenicity. Review status: criteria provided, conflicting classifications (1 of 4 stars). 3 submissions from 3 submitters: Likely pathogenic (1); Uncertain significance (2). Last evaluated 2024-07-11.

Conditions:
Hereditary cancer-predisposing syndrome. Also called: Tumor predisposition; Hereditary Cancer Syndrome; Neoplastic Syndromes, Hereditary; Hereditary neoplastic syndrome. Identifiers: Orphanet 140162, MedGen C0027672, MeSH D009386, MONDO:0015356.
Familial cancer of breast. Also called: BREAST CANCER, FAMILIAL; Hereditary breast cancer; hereditary breast carcinoma. Identifiers: Orphanet 227535, MedGen C0346153, MONDO:0016419, OMIM 114480. Disease mechanism: loss of function.

Submissions (3):

Labcorp Genetics (formerly Invitae), Labcorp
Classification: Uncertain significance for Familial cancer of breast. Last evaluated: 2024-07-11. Review status: criteria provided, single submitter. Criteria: Invitae Variant Classification Sherloc (09022015). Collection method: clinical testing. Allele origin: germline.
Comment: This sequence change falls in intron 8 of the CHEK2 gene. It does not directly change the encoded amino acid sequence of the CHEK2 protein. It affects a nucleotide within the consensus splice site. This variant is not present in population databases (gnomAD no frequency). This variant has not been reported in the literature in individuals affected with CHEK2-related conditions. ClinVar contains an entry for this variant (Variation ID: 822989). Variants that disrupt the consensus splice site are a relatively common cause of aberrant splicing (PMID: 17576681, 9536098). Studies have shown this variant is associated with skipping of exon 8, but one or more of the resulting mRNA isoform(s) may be naturally occurring (PMID: 28905878; Invitae). In summary, the available evidence is currently insufficient to determine the role of this variant in disease. Therefore, it has been classified as a Variant of Uncertain Significance.

Baylor Genetics
Classification: Uncertain significance for Familial cancer of breast. Last evaluated: 2023-09-19. Review status: criteria provided, single submitter. Criteria: ACMG Guidelines, 2015. Collection method: clinical testing. Allele origin: unknown.

Ambry Genetics
Classification: Likely pathogenic for Hereditary cancer-predisposing syndrome. Last evaluated: 2021-06-15. Review status: criteria provided, single submitter. Criteria: Ambry Variant Classification Scheme 2023. Collection method: clinical testing. Allele origin: germline.
Comment: The c.908+3A>T intronic variant results from an A to T substitution 3 nucleotides after coding exon 7 in the CHEK2 gene. This nucleotide position is highly conserved in available vertebrate species. In silico splice site analysis predicts that this alteration will weaken the native splice donor site. RNA studies have demonstrated this alteration results in abnormal splicing in the set of samples tested (Ambry internal data). Based on the majority of available evidence to date, this variant is likely to be pathogenic.

Literature cited by the submitters: PubMed 17576681 (cited by Labcorp Genetics (formerly Invitae), Labcorp); PubMed 9536098 (cited by Labcorp Genetics (formerly Invitae), Labcorp); PubMed 28905878 (cited by Labcorp Genetics (formerly Invitae), Labcorp).

NM_007194.4(CHEK2):c.908+3A>T

Gene: CHEK2 (checkpoint kinase 2; minus strand). Cytogenetic location: 22q12.1.
Variant type: single nucleotide variant.
Coding change: c.908+3A>T on transcript NM_007194.4 (MANE Select); 3 bases into the intron after coding-DNA position 908, A replaced by T.
Molecular consequence: intron variant.
Genome position (GRCh38, 1-based): chr22:28,703,502, T>A on the plus strand (A>T on the coding strand, the complement: CHEK2 is on the minus strand). VCF-style: chr22-28703502-T-A. GRCh37 (hg19) VCF-style: chr22-29099490-T-A.
Other names: c.245+3A>T (NM_001437942.1, NM_001257387.3); c.707+3A>T (NM_001349956.3); c.908+3A>T (NM_145862.3); c.1001+3A>T (NM_001438295.1, NM_001438293.1); c.1037+3A>T (NM_001438294.1, NM_001005735.3).
Identifiers: ClinVar variation 822989 (VCV000822989.14), dbSNP rs1601752050, ClinGen allele CA915952857.